The following is an entry in ClinVar:

NM_020919.4(ALS2):c.1686C>G (p.Ile562Met)

Gene: ALS2 (alsin Rho guanine nucleotide exchange factor ALS2; minus strand). Cytogenetic location: 2q33.1.
Variant type: single nucleotide variant.
Coding change: c.1686C>G on transcript NM_020919.4 (MANE Select); coding-DNA position 1686, C replaced by G.
Protein change: p.Ile562Met; replaces isoleucine 562 with methionine.
Molecular consequence: missense variant.
Genome position (GRCh38, 1-based): chr2:201,753,197, G>C on the plus strand (C>G on the coding strand, the complement: ALS2 is on the minus strand). VCF-style: chr2-201753197-G-C. GRCh37 (hg19) VCF-style: chr2-202617920-G-C.
Other names: c.1686C>G, p.Ile562Met (NM_001410975.1); short protein forms I562M.
Identifiers: ClinVar variation 1713901 (VCV001713901.5), dbSNP rs1488358694, ClinGen allele CA350325979.
Genomic context (GRCh38, chr2:201,753,197, plus strand): 5'-GCCTCCTACCTGGGATTTCGCAGTAAGTGCAAGAGAATGGTAACCACCTGCCTCCAGATG[G>C]ATTACTTCTTTGCCATCCAGACATTTTACACACAACGGTTGAAGCCTTAAAAAGAAACAC-3'
Protein context (NP_065970.2, residues 552-572): CVKCLDGKEV[Ile562Met]HLEAGGYHSL

ClinVar aggregate classification (germline): Uncertain significance (1 of 4 stars; one submission).

Conditions:
Infantile-onset ascending hereditary spastic paralysis (IAHSP). Also called: Autosomal Recessive Juvenile Amyotrophic Lateral Sclerosis; Infantile-Onset Ascending Hereditary Spastic Paralysis (IAHSP). Identifiers: Orphanet 293168, MedGen C2931441, MONDO:0011797, OMIM 607225. Disease mechanism: loss of function.

Submission:

Labcorp Genetics (formerly Invitae), Labcorp
Classification: Uncertain significance for Infantile-onset ascending hereditary spastic paralysis. Last evaluated: 2022-07-27. Review status: criteria provided, single submitter. Criteria: Invitae Variant Classification Sherloc (09022015). Collection method: clinical testing. Allele origin: germline.
Comment: This sequence change replaces isoleucine, which is neutral and non-polar, with methionine, which is neutral and non-polar, at codon 562 of the ALS2 protein (p.Ile562Met). In summary, the available evidence is currently insufficient to determine the role of this variant in disease. Therefore, it has been classified as a Variant of Uncertain Significance. Algorithms developed to predict the effect of missense changes on protein structure and function are either unavailable or do not agree on the potential impact of this missense change (SIFT: "Deleterious"; PolyPhen-2: "Benign"; Align-GVGD: "Class C0"). This variant has not been reported in the literature in individuals affected with ALS2-related conditions. This variant is not present in population databases (gnomAD no frequency).